The following is an entry in ClinVar:

NM_000742.4(CHRNA2):c.1259del (p.Glu420fs)

Gene: CHRNA2 (cholinergic receptor nicotinic alpha 2 subunit; minus strand). Cytogenetic location: 8p21.2.
Variant type: Deletion.
Coding change: c.1259del on transcript NM_000742.4 (MANE Select); coding-DNA position 1259, one base deleted (A; older notation c.1259delA).
Protein change: p.Glu420fs; shifts the reading frame from glutamic acid 420.
Molecular consequence: frameshift variant.
Genome position (GRCh38, 1-based): chr8:27,463,184, T deleted on the plus strand (A on the coding strand, the reverse complement: CHRNA2 is on the minus strand). VCF-style (leftmost placement, unchanged base first): chr8-27463183-CT-C. GRCh37 (hg19) VCF-style: chr8-27320700-CT-C.
Other names: NP_000733.2:p.(Glu420GlyfsTer70); c.1214del, p.Glu405fs (NM_001282455.2); c.782del, p.Glu261fs (NM_001347705.2, NM_001347706.2); c.665del, p.Glu222fs (NM_001347707.2, NM_001347708.2); short protein forms E405fs, E420fs, E261fs, E222fs.
Identifiers: ClinVar variation 2910933 (VCV002910933.4), dbSNP rs1191450703, ClinGen allele CA850384191.

ClinVar aggregate classification (germline): Uncertain significance. Review status: criteria provided, multiple submitters, no conflicts (2 of 4 stars). 2 submissions from 2 submitters: Uncertain significance (2). Last evaluated 2025-07-07.

Conditions:
Developmental and epileptic encephalopathy. Identifiers: MedGen C5779964, MONDO:0100620.
Familial sleep-related hypermotor epilepsy. Also called: Autosomal Dominant Sleep-Related Hypermotor (Hyperkinetic) Epilepsy. Identifiers: Orphanet 98784, MedGen C3696898, MONDO:0000030.

Submissions (2):

Labcorp Genetics (formerly Invitae), Labcorp
Classification: Uncertain significance. Last evaluated: 2025-07-07. Review status: criteria provided, single submitter. Criteria: Invitae Variant Classification Sherloc (09022015). Collection method: clinical testing. Allele origin: germline.
Comment: This sequence change creates a premature translational stop signal (p.Glu420Glyfs*70) in the CHRNA2 gene. While this is not anticipated to result in nonsense mediated decay, it is expected to disrupt the last 110 amino acid(s) of the CHRNA2 protein. This variant is not present in population databases (gnomAD no frequency). This variant has not been reported in the literature in individuals affected with CHRNA2-related conditions. ClinVar contains an entry for this variant (Variation ID: 2910933). In summary, the available evidence is currently insufficient to determine the role of this variant in disease. Therefore, it has been classified as a Variant of Uncertain Significance.

Unidad de Genómica Garrahan, Hospital de Pediatría Garrahan
Classification: Uncertain significance for Developmental and epileptic encephalopathy. Last evaluated: 2024-01-01. Review status: criteria provided, single submitter. Criteria: ACMG Guidelines, 2015. Collection method: clinical testing. Allele origin: paternal. Affected: yes. Observed: 1 variant allele.
Comment: ACMG/AMP criteria applied: PM2_supporting.